The following is an entry in ClinVar:

NM_003597.5(KLF11):c.643C>A (p.Gln215Lys)

Gene: KLF11 (KLF transcription factor 11; plus strand). Cytogenetic location: 2p25.1.
Variant type: single nucleotide variant.
Coding change: c.643C>A on transcript NM_003597.5 (MANE Select); coding-DNA position 643, C replaced by A.
Protein change: p.Gln215Lys; replaces glutamine 215 with lysine.
Molecular consequence: missense variant.
Genome position (GRCh38, 1-based): chr2:10,047,980, C>A. VCF-style: chr2-10047980-C-A. GRCh37 (hg19) VCF-style: chr2-10188107-C-A.
Other names: c.592C>A, p.Gln198Lys (NM_001177716.2, NM_001177718.2); short protein forms Q198K, Q215K.
Identifiers: ClinVar variation 2904307 (VCV002904307.4), dbSNP rs374436407, ClinGen allele CA1525569.

ClinVar aggregate classification (germline): Uncertain significance. Review status: criteria provided, multiple submitters, no conflicts (2 of 4 stars). 2 submissions from 2 submitters: Uncertain significance (2). Last evaluated 2023-03-14.

Conditions:
Maturity-onset diabetes of the young type 7 (MODY7). Identifiers: Orphanet 552, MedGen C1864839, MONDO:0012513, OMIM 610508.

Allele frequency attached by ClinVar (database versions not stated): ExAC 0.00002; gnomAD exomes 0.00002; gnomAD 0.00003; TOPMed 0.00005; ESP Exome Variant Server 0.00008.

Submissions (2):

Labcorp Genetics (formerly Invitae), Labcorp
Classification: Uncertain significance. Last evaluated: 2023-03-14. Review status: criteria provided, single submitter. Criteria: Invitae Variant Classification Sherloc (09022015). Collection method: clinical testing. Allele origin: germline.
Comment: In summary, the available evidence is currently insufficient to determine the role of this variant in disease. Therefore, it has been classified as a Variant of Uncertain Significance. An algorithm developed to predict the effect of missense changes on protein structure and function (PolyPhen-2) suggests that this variant is likely to be tolerated. This variant has not been reported in the literature in individuals affected with KLF11-related conditions. This variant is present in population databases (rs374436407, gnomAD 0.01%). This sequence change replaces glutamine, which is neutral and polar, with lysine, which is basic and polar, at codon 215 of the KLF11 protein (p.Gln215Lys).

Department of Pathology and Laboratory Medicine, Sinai Health System
Classification: Uncertain significance for Maturity-onset diabetes of the young type 7. Last evaluated: 2022-05-03. Review status: criteria provided, single submitter. Criteria: ACMG Guidelines, 2015. Collection method: research. Allele origin: germline.